The following is an entry in ClinVar:

NM_000369.5(TSHR):c.*1152T>A

Genes: TSHR-AS1 (TSHR antisense RNA 1; minus strand), TSHR (thyroid stimulating hormone receptor; plus strand). Cytogenetic location: 14q31.1.
Variant type: single nucleotide variant.
Coding change: c.*1152T>A on transcript NM_000369.5 (MANE Select); 1152 bases downstream of the stop codon, T replaced by A.
Molecular consequence: 3 prime UTR variant.
Genome position (GRCh38, 1-based): chr14:81,145,505, T>A. VCF-style: chr14-81145505-T-A. GRCh37 (hg19) VCF-style: chr14-81611849-T-A.
Identifiers: ClinVar variation 314714 (VCV000314714.6), dbSNP rs2288494, ClinGen allele CA10641186.
Genomic context (GRCh38, chr14:81,145,505, plus strand): 5'-AAGTAAACATACTCGCCTGGATCTGAATCATTCATTTAATTACTAGATCTACCCAGCTGT[T>A]ATATCAGGCCAAAAACAGATTCGTGTTTATATAAAAGAGTAAACGATGGTTGCAAATTTT-3'

ClinVar aggregate classification (germline): Benign. Review status: criteria provided, multiple submitters, no conflicts (2 of 4 stars). 3 submissions from 2 submitters: Benign (3). Last evaluated 2018-01-12.

Conditions:
Hypothyroidism due to TSH receptor mutations. Also called: HYPOTHYROIDISM DUE TO UNRESPONSIVENESS TO THYROTROPIN; HYPOTHYROIDISM, CONGENITAL, DUE TO TSH RESISTANCE; HYPOTHYROIDISM, NONAUTOIMMUNE; THYROID-STIMULATING HORMONE, RESISTANCE TO; TSH RESISTANCE; Hypothyroidism, congenital, nongoitrous, 1. Identifiers: Orphanet 90673, MedGen C3493776, MONDO:0010142, OMIM 275200.
Familial hyperthyroidism due to mutations in TSH receptor. Also called: HYPERTHYROIDISM, CONGENITAL NONAUTOIMMUNE; HYPERTHYROIDISM, NONAUTOIMMUNE, AUTOSOMAL DOMINANT; TOXIC THYROID HYPERPLASIA, AUTOSOMAL DOMINANT. Identifiers: Orphanet 424, MedGen C1836706, MONDO:0012203, OMIM 609152.

Allele frequency attached by ClinVar (database versions not stated): 1000 Genomes Project 0.84724; 1000 Genomes Project 30x 0.84728; gnomAD 0.85449 and 0.85456; TOPMed 0.85815; gnomAD exomes 0.86004.
gnomAD v4.1: 199,096 of 232,484 alleles (86%); highest among the groups gnomAD compares: South Asian, 87%; 85,355 homozygotes.

Submissions (3):

Illumina Laboratory Services, Illumina
Classification: Benign for Hypothyroidism due to TSH receptor mutations. Last evaluated: 2018-01-12. Review status: criteria provided, single submitter. Criteria: ICSL Variant Classification Criteria 13 December 2019. Collection method: clinical testing. Allele origin: germline.
Comment: This variant was observed in the ICSL laboratory as part of a predisposition screen in an ostensibly healthy population. It had not been previously curated by ICSL or reported in the Human Gene Mutation Database (HGMD: prior to June 1st, 2018), and was therefore a candidate for classification through an automated scoring system. Utilizing variant allele frequency, disease prevalence and penetrance estimates, and inheritance mode, an automated score was calculated to assess if this variant is too frequent to cause the disease. Based on the score and internal cut-off values, a variant classified as benign is not then subjected to further curation. The score for this variant resulted in a classification of benign for this disease.

Illumina Laboratory Services, Illumina
Classification: Benign for Familial hyperthyroidism due to mutations in TSH receptor. Last evaluated: 2018-01-12. Review status: criteria provided, single submitter. Criteria: ICSL Variant Classification Criteria 13 December 2019. Collection method: clinical testing. Allele origin: germline.
Comment: the same text as in the submission from Illumina Laboratory Services, Illumina above.

Breakthrough Genomics
Classification: Benign. Review status: criteria provided, single submitter. Criteria: ACMG Guidelines, 2015. Collection method: not provided. Allele origin: germline. Inheritance: Autosomal recessive inheritance. Affected: yes.